The following is an entry in ClinVar:

NM_000823.4(GHRHR):c.53C>T (p.Pro18Leu)

Gene: GHRHR (growth hormone releasing hormone receptor; plus strand). Cytogenetic location: 7p14.3.
Variant type: single nucleotide variant.
Coding change: c.53C>T on transcript NM_000823.4 (MANE Select); coding-DNA position 53, C replaced by T.
Protein change: p.Pro18Leu; replaces proline 18 with leucine.
Molecular consequence: missense variant.
Genome position (GRCh38, 1-based): chr7:30,964,121, C>T. VCF-style: chr7-30964121-C-T. GRCh37 (hg19) VCF-style: chr7-31003736-C-T.
Other names: short protein forms P18L.
Identifiers: ClinVar variation 1031665 (VCV001031665.5), dbSNP rs202243828, ClinGen allele CA4208375.
Genomic context (GRCh38, chr7:30,964,121, plus strand): 5'-GGCTCACCATGGACCGCCGGATGTGGGGGGCCCACGTCTTCTGCGTGTTGAGCCCGTTAC[C>T]GACCGTGAGTAGCCAGCTGAGACCCTCTGGCCTCTGCCACTGGGCTCCAGATTTGGGAGC-3'
Protein context (NP_000814.2, residues 8-28): AHVFCVLSPL[Pro18Leu]TVLGHMHPEC

ClinVar aggregate classification (germline): Uncertain significance. Review status: criteria provided, multiple submitters, no conflicts (2 of 4 stars). 3 submissions from 3 submitters: Uncertain significance (3). Last evaluated 2024-04-08.

Conditions:
Isolated growth hormone deficiency type IB (IGHD1B). Also called: IGHD IB; IGHD 1B. Identifiers: Orphanet 231671, Orphanet 631, MedGen C2748571, MONDO:0013006, OMIM 612781.

Allele frequency attached by ClinVar (database versions not stated): gnomAD exomes 0.00018 and 0.00020; ExAC 0.00020; gnomAD 0.00023 and 0.00026; ESP Exome Variant Server 0.00027; TOPMed 0.00034.
gnomAD v4.1: 324 of 1,548,698 alleles (0.021%); highest among the groups gnomAD compares: Admixed American, 0.039%; no homozygotes.

Submissions (3):

Blueprint Genetics
Classification: Uncertain significance. Last evaluated: 2024-04-08. Review status: criteria provided, single submitter. Criteria: ACMG Guidelines, 2015. Collection method: clinical testing. Allele origin: germline.

Labcorp Genetics (formerly Invitae), Labcorp
Classification: Uncertain significance. Last evaluated: 2021-09-20. Review status: criteria provided, single submitter. Criteria: Invitae Variant Classification Sherloc (09022015). Collection method: clinical testing. Allele origin: germline.
Comment: This sequence change replaces proline with leucine at codon 18 of the GHRHR protein (p.Pro18Leu). The proline residue is weakly conserved and there is a moderate physicochemical difference between proline and leucine. This variant is present in population databases (rs202243828, ExAC 0.05%). This missense change has been observed in individual(s) with isolated growth hormone deficiency (PMID: 18785993). This variant is also known as c.101C>T. ClinVar contains an entry for this variant (Variation ID: 1031665). Algorithms developed to predict the effect of missense changes on protein structure and function (SIFT, PolyPhen-2, Align-GVGD) all suggest that this variant is likely to be tolerated. In summary, the available evidence is currently insufficient to determine the role of this variant in disease. Therefore, it has been classified as a Variant of Uncertain Significance.

Baylor Genetics
Classification: Uncertain significance for Isolated growth hormone deficiency type IB. Last evaluated: 2018-04-11. Review status: criteria provided, single submitter. Criteria: ACMG Guidelines, 2015. Collection method: clinical testing. Allele origin: unknown. Affected: yes.
Comment: This variant was determined to be of uncertain significance according to ACMG Guidelines, 2015 [PMID:25741868].

Literature cited by the submitters: PubMed 18785993 (cited by Labcorp Genetics (formerly Invitae), Labcorp).